The following is an entry in ClinVar:

NM_001330360.2(POLA1):c.2389T>G (p.Leu797Val)

Gene: POLA1 (DNA polymerase alpha 1, catalytic subunit; plus strand). Cytogenetic location: Xp22.11.
Variant type: single nucleotide variant.
Coding change: c.2389T>G on transcript NM_001330360.2 (MANE Select); coding-DNA position 2389, T replaced by G.
Protein change: p.Leu797Val; replaces leucine 797 with valine.
Molecular consequence: missense variant. On other transcripts: non-coding transcript variant (1).
Genome position (GRCh38, 1-based): chrX:24,742,044, T>G. VCF-style: chrX-24742044-T-G. GRCh37 (hg19) VCF-style: chrX-24760161-T-G.
Other names: c.2314T>G, p.Leu772Val (NM_001378303.1); c.2371T>G, p.Leu791Val (NM_016937.4); short protein forms L797V, L791V, L772V.
Identifiers: ClinVar variation 1359038 (VCV001359038.6), dbSNP rs747748000, ClinGen allele CA10373162.

ClinVar aggregate classification (germline): Uncertain significance (1 of 4 stars; one submission).

Allele frequency attached by ClinVar (database versions not stated): gnomAD exomes below 0.00001 and 0.00002; gnomAD 0.00001; ExAC 0.00003.
gnomAD v4.1: 8 of 1,202,380 alleles (0.00067%); highest among the groups gnomAD compares: South Asian, 0.0089%; no homozygotes.

Submission:

Labcorp Genetics (formerly Invitae), Labcorp
Classification: Uncertain significance. Last evaluated: 2023-03-08. Review status: criteria provided, single submitter. Criteria: Invitae Variant Classification Sherloc (09022015). Collection method: clinical testing. Allele origin: germline.
Comment: This variant has not been reported in the literature in individuals affected with POLA1-related conditions. ClinVar contains an entry for this variant (Variation ID: 1359038). Advanced modeling of protein sequence and biophysical properties (such as structural, functional, and spatial information, amino acid conservation, physicochemical variation, residue mobility, and thermodynamic stability) performed at Invitae indicates that this missense variant is expected to disrupt POLA1 protein function. In summary, the available evidence is currently insufficient to determine the role of this variant in disease. Therefore, it has been classified as a Variant of Uncertain Significance. This variant is present in population databases (rs747748000, gnomAD 0.02%), including at least one homozygous and/or hemizygous individual. This sequence change replaces leucine, which is neutral and non-polar, with valine, which is neutral and non-polar, at codon 791 of the POLA1 protein (p.Leu791Val).